The following is an entry in ClinVar:

ClinVar aggregate classification (germline): Pathogenic. Review status: criteria provided, multiple submitters, no conflicts (2 of 4 stars). 3 submissions from 3 submitters: Pathogenic (3). Last evaluated 2025-05-08.

Conditions:
Niemann-Pick disease, type C1. Also called: NEUROVISCERAL STORAGE DISEASE WITH VERTICAL SUPRANUCLEAR OPHTHALMOPLEGIA; NIEMANN-PICK DISEASE WITH CHOLESTEROL ESTERIFICATION BLOCK; NIEMANN-PICK DISEASE WITHOUT SPHINGOMYELINASE DEFICIENCY; NIEMANN-PICK DISEASE, CHRONIC NEURONOPATHIC FORM; NIEMANN-PICK DISEASE, VARIANT TYPE C1. Identifiers: Orphanet 646, MedGen C3179455, MONDO:0009757, OMIM 257220.

Submissions (3):

Myriad Genetics, Inc.
Classification: Pathogenic for Niemann-Pick disease, type C1. Last evaluated: 2025-05-08. Review status: criteria provided, single submitter. Criteria: Myriad Autosomal Dominant, Autosomal Recessive and X-Linked Classification Criteria (2023). Collection method: clinical testing. Allele origin: unknown.
Comment: NM_000271.4(NPC1):c.2908dupT(S970Ffs*4) is expected to be pathogenic in the context of Niemann-Pick disease type C1. This variant is predicted to lead to an abnormal or absent protein product due to the creation of a premature termination codon in NPC1, a gene where loss-of-function variants are known to be pathogenic. Please note: this variant was assessed in the context of healthy population screening.

Labcorp Genetics (formerly Invitae), Labcorp
Classification: Pathogenic for Niemann-Pick disease, type C1. Last evaluated: 2022-12-29. Review status: criteria provided, single submitter. Criteria: Invitae Variant Classification Sherloc (09022015). Collection method: clinical testing. Allele origin: germline.
Comment: ClinVar contains an entry for this variant (Variation ID: 1705778). This variant is also known as 2909insT. This premature translational stop signal has been observed in individual(s) with clinical features of Niemann-Pick type C (PMID: 16126423). This variant is not present in population databases (gnomAD no frequency). This sequence change creates a premature translational stop signal (p.Ser970Phefs*4) in the NPC1 gene. It is expected to result in an absent or disrupted protein product. Loss-of-function variants in NPC1 are known to be pathogenic (PMID: 9211850). For these reasons, this variant has been classified as Pathogenic.

CENTOGENE GmbH and LLC - Guiding Precision Medicine
Classification: Pathogenic for Niemann-Pick disease, type C1. Last evaluated: 2022-08-30. Review status: criteria provided, single submitter. Criteria: ACMG Guidelines, 2015. Collection method: clinical testing. Allele origin: germline. Affected: yes.

Literature cited by the submitters: PubMed 16126423 (cited by Labcorp Genetics (formerly Invitae), Labcorp); PubMed 9211850 (cited by Labcorp Genetics (formerly Invitae), Labcorp).

NM_000271.5(NPC1):c.2908dup (p.Ser970fs)

Gene: NPC1 (NPC intracellular cholesterol transporter 1; minus strand). Cytogenetic location: 18q11.2.
Variant type: Duplication.
Coding change: c.2908dup on transcript NM_000271.5 (MANE Select); coding-DNA position 2908, one base duplicated (T; older notation c.2908dupT).
Protein change: p.Ser970fs; shifts the reading frame from serine 970.
Molecular consequence: frameshift variant.
Genome position (GRCh38, 1-based): chr18:23,539,358, A duplicated on the plus strand (T on the coding strand, the reverse complement: NPC1 is on the minus strand); the first of 2 consecutive A bases (chr18:23,539,358-23,539,359); duplicating either gives the same sequence. VCF-style (leftmost placement, unchanged base first): chr18-23539357-G-GA. GRCh37 (hg19) VCF-style: chr18-21119321-G-GA.
Other names: short protein forms S970fs.
Identifiers: ClinVar variation 1705778 (VCV001705778.5), dbSNP rs761910746, ClinGen allele CA2580095509.